The following is an entry in ClinVar:

ClinVar aggregate classification (germline): Likely benign (1 of 4 stars; one submission).

Allele frequency attached by ClinVar (database versions not stated): gnomAD 0.00008; TOPMed 0.00005.
gnomAD v4.1: 56 of 1,614,024 alleles (0.0035%); highest among the groups gnomAD compares: Non-Finnish European, 0.0041%; no homozygotes.

Submission:

CeGaT Center for Human Genetics Tuebingen
Classification: Likely benign. Last evaluated: 2022-10-01. Review status: criteria provided, single submitter. Criteria: CeGaT Center For Human Genetics Tuebingen Variant Classification Criteria Version 2. Collection method: clinical testing. Allele origin: germline. Affected: yes. Observed: 1 variant allele.
Comment: SLC4A3: BP4, BP7

NM_005070.4(SLC4A3):c.1839G>A (p.Pro613=)

Gene: SLC4A3 (solute carrier family 4 member 3; plus strand). Cytogenetic location: 2q35.
Variant type: single nucleotide variant.
Coding change: c.1839G>A on transcript NM_005070.4 (MANE Select); coding-DNA position 1839, G replaced by A.
Protein change: p.Pro613=; no amino-acid change (proline 613 retained).
Molecular consequence: synonymous variant. On other transcripts: non-coding transcript variant (1).
Genome position (GRCh38, 1-based): chr2:219,635,363, G>A. VCF-style: chr2-219635363-G-A. GRCh37 (hg19) VCF-style: chr2-220500085-G-A.
Other names: c.1920G>A, p.Pro640= (NM_001326559.2, NM_201574.3).
Identifiers: ClinVar variation 2651939 (VCV002651939.24), dbSNP rs747034568, ClinGen allele CA2134045.